The following is an entry in ClinVar:

ClinVar aggregate classification (germline): Likely pathogenic (1 of 4 stars; one submission).

Conditions:
Ehlers-Danlos syndrome, type 4 (EDSVASC). Also called: Ehlers-Danlos syndrome vascular type; Ehlers Danlos syndrome, ecchymotic type; Ehlers Danlos syndrome, arterial type; Ehlers Danlos syndrome, Sack-Barabas type; Ehlers-Danlos Syndrome Type IV. Identifiers: Orphanet 286, MedGen C0268338, MONDO:0017314, OMIM 130050.

Submission:

Labcorp Genetics (formerly Invitae), Labcorp
Classification: Likely pathogenic for Ehlers-Danlos syndrome, type 4. Last evaluated: 2017-05-14. Review status: criteria provided, single submitter. Criteria: Invitae Variant Classification Sherloc (09022015). Collection method: clinical testing. Allele origin: germline.
Comment: In summary, this variant is a novel missense change affecting a residue that is known to be critical for normal protein structure, stability and function. This type of missense change is also highly enriched in affected individuals and expected to be pathogenic. However, without additional functional and/or genetic data, this variant has been classified as Likely Pathogenic. Glycine residues within the Gly-Xaa-Yaa repeats of the triple helix domain are required for the structure and stability of fibrillar collagens (PMID: 7695699, 8218237, 19344236). In COL3A1, missense variants at these glycine residues are significantly enriched in individuals with disease (PMID: 24922459, 25758994) compared to the general population (ExAC). This variant is not present in population databases (ExAC no frequency) and has not been reported in the literature in individuals with a COL3A1-related disease. This sequence change replaces glycine with glutamic acid at codon 921 of the COL3A1 protein (p.Gly921Glu). The glycine residue is moderately conserved and there is a moderate physicochemical difference between glycine and glutamic acid.

Literature cited by the submitters: PubMed 7695699; PubMed 8218237; PubMed 19344236; PubMed 24922459; PubMed 25758994.

NM_000090.4(COL3A1):c.2762G>A (p.Gly921Glu)

Gene: COL3A1 (collagen type III alpha 1 chain; plus strand). Cytogenetic location: 2q32.2.
Variant type: single nucleotide variant.
Coding change: c.2762G>A on transcript NM_000090.4 (MANE Select); coding-DNA position 2762, G replaced by A.
Protein change: p.Gly921Glu; replaces glycine 921 with glutamic acid.
Molecular consequence: missense variant.
Genome position (GRCh38, 1-based): chr2:189,004,082, G>A. VCF-style: chr2-189004082-G-A. GRCh37 (hg19) VCF-style: chr2-189868808-G-A.
Other names: short protein forms G921E.
Identifiers: ClinVar variation 459778 (VCV000459778.9), dbSNP rs1553509187, ClinGen allele CA349844094.